The following is an entry in ClinVar:

NM_000642.3(AGL):c.1526T>G (p.Met509Arg)

Gene: AGL (amylo-alpha-1,6-glucosidase and 4-alpha-glucanotransferase; plus strand). Cytogenetic location: 1p21.2.
Variant type: single nucleotide variant.
Coding change: c.1526T>G on transcript NM_000642.3 (MANE Select); coding-DNA position 1526, T replaced by G.
Protein change: p.Met509Arg; replaces methionine 509 with arginine.
Molecular consequence: missense variant.
Genome position (GRCh38, 1-based): chr1:99,877,743, T>G. VCF-style: chr1-99877743-T-G. GRCh37 (hg19) VCF-style: chr1-100343299-T-G.
Other names: c.1526T>G, p.Met509Arg (NM_000028.3, NM_000643.3, NM_000644.3 and 2 more transcripts); c.1478T>G, p.Met493Arg (NM_000646.3); c.1325T>G, p.Met442Arg (NM_001425327.1); c.1322T>G, p.Met441Arg (NM_001425328.1, NM_001425329.1); c.1148T>G, p.Met383Arg (NM_001425332.1); short protein forms M493R, M509R, M383R, M441R, M442R.
Identifiers: ClinVar variation 937505 (VCV000937505.1), dbSNP rs1367177057, ClinGen allele CA341314708.
Genomic context (GRCh38, chr1:99,877,743, plus strand): 5'-ACAGTGTTAAATTACGCTATGGGAATAAACCAGAGGACTGTCCTTATCTCTGGGCACACA[T>G]GAAAAAATACACTGAAATAACTGCAACTTATTTCCAGGGAGTACGTCTTGATAACTGCCA-3'
Protein context (NP_000633.2, residues 499-519): PEDCPYLWAH[Met509Arg]KKYTEITATY

ClinVar aggregate classification (germline): Uncertain significance (1 of 4 stars; one submission).

Conditions:
Glycogen storage disease type III (GSD3). Also called: Cori disease; FORBES DISEASE. Identifiers: Orphanet 366, MedGen C0017922, MONDO:0009291, OMIM 232400.

Submission:

Labcorp Genetics (formerly Invitae), Labcorp
Classification: Uncertain significance for Glycogen storage disease type III. Last evaluated: 2019-06-21. Review status: criteria provided, single submitter. Criteria: Invitae Variant Classification Sherloc (09022015). Collection method: clinical testing. Allele origin: germline.
Comment: This sequence change replaces methionine with arginine at codon 509 of the AGL protein (p.Met509Arg). The methionine residue is highly conserved and there is a moderate physicochemical difference between methionine and arginine. This variant is not present in population databases (ExAC no frequency). This variant has not been reported in the literature in individuals with AGL-related conditions. Algorithms developed to predict the effect of missense changes on protein structure and function are either unavailable or do not agree on the potential impact of this missense change (SIFT: "Deleterious"; PolyPhen-2: "Probably Damaging"; Align-GVGD: "Class C0"). Algorithms developed to predict the effect of sequence changes on RNA splicing suggest that this variant may create or strengthen a splice site, but this prediction has not been confirmed by published transcriptional studies. In summary, the available evidence is currently insufficient to determine the role of this variant in disease. Therefore, it has been classified as a Variant of Uncertain Significance.